The following is an entry in ClinVar:

ClinVar aggregate classification (germline): Conflicting classifications of pathogenicity. Review status: criteria provided, conflicting classifications (1 of 4 stars). 13 submissions from 12 submitters: Uncertain significance (8); Benign (1); Likely benign (2). 2 of the submissions do not count toward it. Last evaluated 2025-12-17.

Conditions:
Germ cell tumor of testis (TGCT). Also called: Testicular germ cell tumor; GERM CELL TUMOR, SOMATIC. Identifiers: Orphanet 363504, MedGen C1336708, MONDO:0010108, OMIM 273300.
Melanoma, cutaneous malignant, susceptibility to, 1 (CMM1). Also called: DYSPLASTIC NEVUS SYNDROME, HEREDITARY; FAMILIAL ATYPICAL MOLE-MALIGNANT MELANOMA SYNDROME; MELANOMA, MALIGNANT; B-K MOLE SYNDROME. Identifiers: Orphanet 618, MedGen C1835047, MONDO:0007963, OMIM 155600.
Familial pancreatic carcinoma. Identifiers: Orphanet 1333, MedGen C2931038, MONDO:0015278, OMIM 260350.
Peutz-Jeghers syndrome (PJS). Also called: Peutz-Jeghers polyposis; Periorificial lentiginosis syndrome; POLYPOSIS, HAMARTOMATOUS INTESTINAL; POLYPS-AND-SPOTS SYNDROME. Identifiers: Orphanet 2869, MedGen C0031269, MeSH D010580, MONDO:0008280, OMIM 175200.
STK11-related disorder. Also called: STK11-related condition.
Hereditary cancer-predisposing syndrome. Also called: Tumor predisposition; Hereditary neoplastic syndrome; Hereditary Cancer Syndrome; Neoplastic Syndromes, Hereditary. Identifiers: Orphanet 140162, MedGen C0027672, MeSH D009386, MONDO:0015356.
Carcinoma of pancreas. Also called: Exocrine pancreatic carcinoma; Pancreatic cancer, somatic; Pancreatic carcinoma, somatic; PANCREATIC ACINAR CARCINOMA; PANCREATIC CARCINOMA. Identifiers: Orphanet 1333, Orphanet 217074, MedGen C0235974, MONDO:0005192. Disease mechanism: loss of function.
Breast carcinoma. Also called: Carcinoma of breast. Identifiers: MedGen C0678222, MONDO:0004989, HP:0003002.

Allele frequency attached by ClinVar (database versions not stated): gnomAD 0.00001; gnomAD exomes 0.00001; TOPMed 0.00001; ExAC 0.00002.

Submissions (13):

Labcorp Genetics (formerly Invitae), Labcorp
Classification: Benign for Peutz-Jeghers syndrome. Last evaluated: 2025-12-17. Review status: criteria provided, single submitter. Criteria: Invitae Variant Classification Sherloc (09022015). Collection method: clinical testing. Allele origin: germline.

CeGaT Center for Human Genetics Tuebingen
Classification: Uncertain significance. Last evaluated: 2025-06-01. Review status: criteria provided, single submitter. Criteria: CeGaT Center For Human Genetics Tuebingen Variant Classification Criteria Version 2. Collection method: clinical testing. Allele origin: germline. Affected: yes. Observed: 1 variant allele.

Center for Genomic Medicine, Rigshospitalet, Copenhagen University Hospital
Classification: Uncertain significance. Last evaluated: 2025-03-04. Review status: criteria provided, single submitter. Criteria: ACMG Guidelines, 2015. Collection method: clinical testing. Allele origin: germline.

Department of Pathology and Laboratory Medicine, Sinai Health System
Classification: Uncertain significance for Melanoma, cutaneous malignant, susceptibility to, 1; Peutz-Jeghers syndrome; Familial pancreatic carcinoma; Germ cell tumor of testis. Last evaluated: 2024-11-29. Review status: criteria provided, single submitter. Criteria: ACMG Guidelines, 2015. Collection method: clinical testing. Allele origin: germline.

Color Diagnostics, LLC DBA Color Health
Classification: Likely benign for Hereditary cancer-predisposing syndrome. Last evaluated: 2024-09-19. Review status: criteria provided, single submitter. Criteria: ACMG Guidelines, 2015. Collection method: clinical testing. Allele origin: germline.

Myriad Genetics, Inc.
Classification: Uncertain significance for Peutz-Jeghers syndrome. Last evaluated: 2023-04-14. Review status: criteria provided, single submitter. Criteria: Myriad Autosomal Dominant, Autosomal Recessive and X-Linked Classification Criteria (2023). Collection method: clinical testing. Allele origin: unknown.
Comment: This variant is classified as a variant of uncertain significance as there is insufficient evidence to determine its impact on protein function and/or cancer risk.

PreventionGenetics, part of Exact Sciences
Classification: Uncertain significance for STK11-related condition. Last evaluated: 2023-02-23. Review status: criteria provided, single submitter. Criteria: ACMG Guidelines, 2015. Collection method: clinical testing. Allele origin: germline.
Comment: The STK11 c.1208A>G variant is predicted to result in the amino acid substitution p.Lys403Arg. This variant has been reported in a prostate adenocarcinoma specimen (Table S6, Sholl et al. 2016. PubMed ID: 27882345). This variant is reported in 3 of ~252,000 alleles in gnomAD. It has conflicting interpretations of likely benign and uncertain significance in ClinVar. At this time, the clinical significance of this variant is uncertain due to the absence of conclusive functional and genetic evidence.

GeneDx
Classification: Uncertain significance. Last evaluated: 2022-04-07. Review status: criteria provided, single submitter. Criteria: GeneDx Variant Classification Process June 2021. Collection method: clinical testing. Allele origin: germline. Affected: yes.
Comment: Not observed at significant frequency in large population cohorts (gnomAD); In silico analysis supports that this missense variant does not alter protein structure/function; Has not been previously published as pathogenic or benign to our knowledge; This variant is associated with the following publications: (PMID: 27882345)

Genome-Nilou Lab
Classification: Uncertain significance for Peutz-Jeghers syndrome. Last evaluated: 2021-07-15. Review status: criteria provided, single submitter. Criteria: ACMG Guidelines, 2015. Collection method: clinical testing. Allele origin: germline. Affected: no.

Ambry Genetics
Classification: Likely benign for Hereditary cancer-predisposing syndrome. Last evaluated: 2020-08-17. Review status: criteria provided, single submitter. Criteria: Ambry Variant Classification Scheme 2023. Collection method: clinical testing. Allele origin: germline.

Centre for Mendelian Genomics, University Medical Centre Ljubljana
Classification: Uncertain significance for Familial pancreatic carcinoma. Last evaluated: 2018-11-04. Review status: criteria provided, single submitter. Criteria: ACMG Guidelines, 2015. Collection method: clinical testing. Allele origin: unknown. Affected: yes.
Comment: This variant was classified as: Uncertain significance. The available evidence on this variant's pathogenicity is insufficient or conflicting. The following ACMG criteria were applied in classifying this variant: BP4.

Centre for Mendelian Genomics, University Medical Centre Ljubljana
Classification: Uncertain significance for Breast carcinoma. Last evaluated: 2016-05-04. Review status: no assertion criteria provided. Collection method: clinical testing. Allele origin: unknown. Affected: yes. Not counted in ClinVar's aggregate classification.

Counsyl
Classification: Uncertain significance for Peutz-Jeghers syndrome. Last evaluated: 2016-03-17. Review status: no assertion criteria provided. Collection method: clinical testing. Allele origin: unknown. Not counted in ClinVar's aggregate classification.

NM_000455.5(STK11):c.1208A>G (p.Lys403Arg)

Gene: STK11 (serine/threonine kinase 11; plus strand). Cytogenetic location: 19p13.3.
Variant type: single nucleotide variant.
Coding change: c.1208A>G on transcript NM_000455.5 (MANE Select); coding-DNA position 1208, A replaced by G.
Protein change: p.Lys403Arg; replaces lysine 403 with arginine.
Molecular consequence: missense variant.
Genome position (GRCh38, 1-based): chr19:1,226,553, A>G. VCF-style: chr19-1226553-A-G. GRCh37 (hg19) VCF-style: chr19-1226552-A-G.
Other names: short protein forms K403R.
Identifiers: ClinVar variation 141287 (VCV000141287.38), dbSNP rs587781633, ClinGen allele CA022467.
Genomic context (GRCh38, chr19:1,226,553, plus strand): 5'-GCCGGGGCCTCCCCAAGGCCGTGTGTATGAACGGCACAGAGGCGGCGCAGCTGAGCACCA[A>G]ATCCAGGGCGGAGGGCCGGGCCCCCAACCCTGCCCGCAAGGCCTGCTCCGCCAGCAGCAA-3'
Protein context (NP_000446.1, residues 393-413): NGTEAAQLST[Lys403Arg]SRAEGRAPNP